The following is an entry in ClinVar:

NM_000091.5(COL4A3):c.1994G>C (p.Gly665Ala)

Genes: COL4A3 (collagen type IV alpha 3 chain; plus strand), MFF-DT (MFF divergent transcript; minus strand). Cytogenetic location: 2q36.3.
Variant type: single nucleotide variant.
Coding change: c.1994G>C on transcript NM_000091.5 (MANE Select); coding-DNA position 1994, G replaced by C.
Protein change: p.Gly665Ala; replaces glycine 665 with alanine.
Molecular consequence: missense variant.
Genome position (GRCh38, 1-based): chr2:227,276,451, G>C. VCF-style: chr2-227276451-G-C. GRCh37 (hg19) VCF-style: chr2-228141167-G-C.
Other names: short protein forms G665A.
Identifiers: ClinVar variation 4817210 (VCV004817210.1).

ClinVar aggregate classification (germline): Likely pathogenic (1 of 4 stars; one submission).

Conditions:
Alport syndrome. Also called: Hemorrhagic familial nephritis; Hemorrhagic hereditary nephritis; Congenital hereditary hematuria. Identifiers: Orphanet 63, MedGen C1567741, MONDO:0018965.

gnomAD v4.1: 7 of 1,613,976 alleles (0.00043%); highest among the groups gnomAD compares: South Asian, 0.0066%; no homozygotes.

Submission:

Natera, Inc.
Classification: Likely pathogenic for Alport syndrome. Last evaluated: 2025-03-22. Review status: criteria provided, single submitter. Criteria: Natera Variant Classification Schema (03/2026). Collection method: clinical testing. Allele origin: germline.
Comment: The c.1994G>C variant in COL4A3 is a missense variant predicted to cause substitution of glycine to alanine at amino acid 665. This variant is rare in the general population with a frequency below the threshold expected for the associated phenotype(s). This variant is located in a functionally critical region of the protein. A different variant at the same position has been determined to be Pathogenic or Likely Pathogenic. Computational prediction algorithms indicate this variant is likely to affect gene or protein function. Given the available evidence, this variant is classified as Likely Pathogenic.